The following is an entry in ClinVar:

ClinVar aggregate classification (germline): Benign/Likely benign. Review status: criteria provided, multiple submitters, no conflicts (2 of 4 stars). 8 submissions from 8 submitters: Benign (1); Likely benign (6). 1 of the submissions does not count toward it. Last evaluated 2026-04-01.

Conditions:
ACP5-related disorder. Also called: ACP5-related condition.
Spondyloenchondrodysplasia with immune dysregulation (SPENCDI). Also called: ROIFMAN IMMUNOSKELETAL SYNDROME; SPONDYLOENCHONDRODYSPLASIA WITH OR WITHOUT IMMUNE DYSREGULATION; COMBINED IMMUNODEFICIENCY WITH AUTOIMMUNITY AND SPONDYLOMETAPHYSEAL DYSPLASIA. Identifiers: Orphanet 1855, MedGen C1842763, MONDO:0011939, OMIM 607944.

Allele frequency attached by ClinVar (database versions not stated): gnomAD 0.00096; ESP Exome Variant Server 0.00115; 1000 Genomes Project 0.00140; 1000 Genomes Project 30x 0.00172.

Submissions (8):

CeGaT Center for Human Genetics Tuebingen
Classification: Likely benign. Last evaluated: 2026-04-01. Review status: criteria provided, single submitter. Criteria: CeGaT Center For Human Genetics Tuebingen Variant Classification Criteria Version 2. Collection method: clinical testing. Allele origin: germline. Affected: yes. Observed: 2 variant alleles.
Comment: ACP5: BP4

Labcorp Genetics (formerly Invitae), Labcorp
Classification: Likely benign for Spondyloenchondrodysplasia with immune dysregulation. Last evaluated: 2026-02-03. Review status: criteria provided, single submitter. Criteria: Invitae Variant Classification Sherloc (09022015). Collection method: clinical testing. Allele origin: germline.

Blueprint Genetics
Classification: Likely benign. Last evaluated: 2024-11-23. Review status: criteria provided, single submitter. Criteria: ACMG Guidelines, 2015. Collection method: clinical testing. Allele origin: germline.

Mayo Clinic Laboratories, Mayo Clinic
Classification: Benign. Last evaluated: 2024-06-18. Review status: criteria provided, single submitter. Criteria: ACMG Guidelines, 2015. Collection method: clinical testing. Allele origin: germline. Observed: 2 variant alleles.
Comment: BS1, BS2, BP4

Dubai Health Genomic Medicine Center, Dubai Health
Classification: Likely benign for Spondyloenchondrodysplasia with immune dysregulation. Last evaluated: 2020-04-02. Review status: criteria provided, single submitter. Criteria: ACMG Guidelines, 2015. Collection method: clinical testing. Allele origin: germline. Affected: yes.

Eurofins Ntd Llc (ga)
Classification: Likely benign. Last evaluated: 2017-09-07. Review status: criteria provided, single submitter. Criteria: EGL Classification Definitions 2015. Collection method: clinical testing. Allele origin: germline. Observed: 1 variant allele, 1 heterozygote.

Breakthrough Genomics
Classification: Likely benign. Review status: criteria provided, single submitter. Criteria: ACMG Guidelines, 2015. Collection method: not provided. Allele origin: germline. Inheritance: Autosomal recessive inheritance. Affected: yes.

PreventionGenetics, part of Exact Sciences
Classification: Likely benign for ACP5-related condition. Last evaluated: 2022-10-31. Review status: no assertion criteria provided. Collection method: clinical testing. Allele origin: germline. Not counted in ClinVar's aggregate classification.
Comment: This variant is classified as likely benign based on ACMG/AMP sequence variant interpretation guidelines (Richards et al. 2015 PMID: 25741868, with internal and published modifications).

NM_001611.5(ACP5):c.299G>A (p.Arg100His)

Gene: ACP5 (acid phosphatase 5, tartrate resistant; minus strand). Cytogenetic location: 19p13.2.
Variant type: single nucleotide variant.
Coding change: c.299G>A on transcript NM_001611.5 (MANE Select); coding-DNA position 299, G replaced by A.
Protein change: p.Arg100His; replaces arginine 100 with histidine.
Molecular consequence: missense variant.
Genome position (GRCh38, 1-based): chr19:11,576,806, C>T on the plus strand (G>A on the coding strand, the complement: ACP5 is on the minus strand). VCF-style: chr19-11576806-C-T. GRCh37 (hg19) VCF-style: chr19-11687621-C-T.
Other names: p.Arg100His; c.299G>A, p.Arg100His (NM_001111034.3, NM_001111035.3, NM_001111036.3 and 2 more transcripts); short protein forms R100H.
Identifiers: ClinVar variation 593774 (VCV000593774.35), dbSNP rs141651325, ClinGen allele CA9215452.
Genomic context (GRCh38, chr19:11,576,806, plus strand): 5'-TGGGCAGAGACATTGCCAAGGTGGTCATGGTTTCCGGCTAGCACGTACCAGGGCACTTTG[C>T]GAAGGGAGCGGTCAGAGAATACGTCCTCAAAGGTCTCCTGTAGCAAACAGATAGGGCAGG-3'
Protein context (NP_001602.1, residues 90-110): FEDVFSDRSL[Arg100His]KVPWYVLAGN